The following is an entry in ClinVar:

NM_000256.3(MYBPC3):c.3550A>G (p.Thr1184Ala)

Gene: MYBPC3 (myosin binding protein C3; minus strand). Cytogenetic location: 11p11.2.
Variant type: single nucleotide variant.
Coding change: c.3550A>G on transcript NM_000256.3 (MANE Select); coding-DNA position 3550, A replaced by G.
Protein change: p.Thr1184Ala; replaces threonine 1184 with alanine.
Molecular consequence: missense variant.
Genome position (GRCh38, 1-based): chr11:47,332,643, T>C on the plus strand (A>G on the coding strand, the complement: MYBPC3 is on the minus strand). VCF-style: chr11-47332643-T-C. GRCh37 (hg19) VCF-style: chr11-47354194-T-C.
Other names: c.3550A>G, p.Thr1184Ala (LRG_386t1); short protein forms T1184A.
Identifiers: ClinVar variation 657222 (VCV000657222.8), dbSNP rs1595841096, ClinGen allele CA380312599.

ClinVar aggregate classification (germline): Uncertain significance (1 of 4 stars; one submission).

Conditions:
Hypertrophic cardiomyopathy. Also called: HYPERTROPHIC MYOCARDIOPATHY. Identifiers: Orphanet 217569, MedGen C0007194, MeSH D002312, MONDO:0005045, HP:0001639.

Submission:

Labcorp Genetics (formerly Invitae), Labcorp
Classification: Uncertain significance for Hypertrophic cardiomyopathy. Last evaluated: 2022-07-26. Review status: criteria provided, single submitter. Criteria: Invitae Variant Classification Sherloc (09022015). Collection method: clinical testing. Allele origin: germline.
Comment: In summary, the available evidence is currently insufficient to determine the role of this variant in disease. Therefore, it has been classified as a Variant of Uncertain Significance. Algorithms developed to predict the effect of missense changes on protein structure and function (SIFT, PolyPhen-2, Align-GVGD) all suggest that this variant is likely to be disruptive. ClinVar contains an entry for this variant (Variation ID: 657222). This variant has not been reported in the literature in individuals affected with MYBPC3-related conditions. This variant is not present in population databases (gnomAD no frequency). This sequence change replaces threonine, which is neutral and polar, with alanine, which is neutral and non-polar, at codon 1184 of the MYBPC3 protein (p.Thr1184Ala).